The following is an entry in ClinVar:

NM_024782.3(NHEJ1):c.655A>G (p.Met219Val)

Gene: NHEJ1 (non-homologous end joining factor 1; minus strand). Cytogenetic location: 2q35.
Variant type: single nucleotide variant.
Coding change: c.655A>G on transcript NM_024782.3 (MANE Select); coding-DNA position 655, A replaced by G.
Protein change: p.Met219Val; replaces methionine 219 with valine.
Molecular consequence: missense variant. On other transcripts: non-coding transcript variant (1).
Genome position (GRCh38, 1-based): chr2:219,078,140, T>C on the plus strand (A>G on the coding strand, the complement: NHEJ1 is on the minus strand). VCF-style: chr2-219078140-T-C. GRCh37 (hg19) VCF-style: chr2-219942862-T-C.
Other names: c.655A>G, p.Met219Val (NM_001377498.1, NM_001377499.1); short protein forms M219V.
Identifiers: ClinVar variation 856388 (VCV000856388.6), dbSNP rs771103739, ClinGen allele CA2116904.
Genomic context (GRCh38, chr2:219,078,140, plus strand): 5'-AGGGCTCACCAGCGCCTTGATGCTTCTGTCCCACTTGGACCTCTTGTGTGGTGACTGCCA[T>C]ATACAGATCCTGCAGATTCATGACAAAGGGCTTTCCATCACCAATGCTGCATGCCTCTGG-3'
Protein context (NP_079058.1, residues 209-229): PFVMNLQDLY[Met219Val]AVTTQEVQVG

ClinVar aggregate classification (germline): Conflicting classifications of pathogenicity. Review status: criteria provided, conflicting classifications (1 of 4 stars). 2 submissions from 2 submitters: Uncertain significance (1); Likely benign (1). Last evaluated 2024-01-03.

Conditions:
Cernunnos-XLF deficiency (IMD124). Also called: NHEJ1 SYNDROME; Severe combined immunodeficiency with sensitivity to ionizing radiation due to NHEJ1 deficiency; SCID, autosomal recessive, T cell-negative, B cell-negative, NK cell-positive, and sensitivity to ionizing radiation due to NHEJ1 deficiency; IMMUNODEFICIENCY 124, SEVERE COMBINED; SCID, AUTOSOMAL RECESSIVE, T CELL-NEGATIVE, B CELL-NEGATIVE, NK CELL-POSITIVE, WITH MICROCEPHALY, GROWTH RETARDATION, AND SENSITIVITY TO IONIZING RADIATION. Identifiers: Orphanet 169079, MedGen C1969799, MONDO:0012650, OMIM 611291.

Allele frequency attached by ClinVar (database versions not stated): gnomAD 0.00001; TOPMed 0.00001; ExAC 0.00002; gnomAD exomes 0.00002.
gnomAD v4.1: 15 of 1,614,054 alleles (0.00093%); highest among the groups gnomAD compares: Non-Finnish European, 0.0013%; no homozygotes.

Submissions (2):

Blueprint Genetics
Classification: Likely benign. Last evaluated: 2024-01-03. Review status: criteria provided, single submitter. Criteria: ACMG Guidelines, 2015. Collection method: clinical testing. Allele origin: germline.

Labcorp Genetics (formerly Invitae), Labcorp
Classification: Uncertain significance for Cernunnos-XLF deficiency. Last evaluated: 2022-08-16. Review status: criteria provided, single submitter. Criteria: Invitae Variant Classification Sherloc (09022015). Collection method: clinical testing. Allele origin: germline.
Comment: This sequence change replaces methionine, which is neutral and non-polar, with valine, which is neutral and non-polar, at codon 219 of the NHEJ1 protein (p.Met219Val). This variant is present in population databases (rs771103739, gnomAD 0.004%). This variant has not been reported in the literature in individuals affected with NHEJ1-related conditions. ClinVar contains an entry for this variant (Variation ID: 856388). Algorithms developed to predict the effect of missense changes on protein structure and function output the following: SIFT: "Tolerated"; PolyPhen-2: "Benign"; Align-GVGD: "Class C0". The valine amino acid residue is found in multiple mammalian species, which suggests that this missense change does not adversely affect protein function. In summary, the available evidence is currently insufficient to determine the role of this variant in disease. Therefore, it has been classified as a Variant of Uncertain Significance.